The following is an entry in ClinVar:

NM_001197104.2(KMT2A):c.553C>T (p.Arg185Ter)

Gene: KMT2A (lysine methyltransferase 2A; plus strand). Cytogenetic location: 11q23.3.
Variant type: single nucleotide variant.
Coding change: c.553C>T on transcript NM_001197104.2 (MANE Select); coding-DNA position 553, C replaced by T.
Protein change: p.Arg185Ter; replaces arginine 185 with a stop codon.
Molecular consequence: nonsense.
Genome position (GRCh38, 1-based): chr11:118,471,712, C>T. VCF-style: chr11-118471712-C-T. GRCh37 (hg19) VCF-style: chr11-118342427-C-T.
Other names: c.652C>T, p.Arg218Ter (NM_001412597.1); c.553C>T, p.Arg185Ter (NM_005933.4); short protein forms R185*, R218*.
Identifiers: ClinVar variation 2910295 (VCV002910295.4), dbSNP rs1949945068, ClinGen allele CA382806702.

ClinVar aggregate classification (germline): Pathogenic. Review status: criteria provided, multiple submitters, no conflicts (2 of 4 stars). 2 submissions from 2 submitters: Pathogenic (2). Last evaluated 2026-02-03.

Submissions (2):

GeneDx
Classification: Pathogenic. Last evaluated: 2026-02-03. Review status: criteria provided, single submitter. Criteria: GeneDx Variant Classification Process June 2021. Collection method: clinical testing. Allele origin: germline.
Comment: Nonsense variant predicted to result in protein truncation or nonsense mediated decay in a gene for which loss of function is a known mechanism of disease; Not observed at significant frequency in large population cohorts (gnomAD); This variant is associated with the following publications: (PMID: 32641752, 28135719)

Labcorp Genetics (formerly Invitae), Labcorp
Classification: Pathogenic. Last evaluated: 2024-11-04. Review status: criteria provided, single submitter. Criteria: Invitae Variant Classification Sherloc (09022015). Collection method: clinical testing. Allele origin: germline.
Comment: This sequence change creates a premature translational stop signal (p.Arg185*) in the KMT2A gene. It is expected to result in an absent or disrupted protein product. Loss-of-function variants in KMT2A are known to be pathogenic (PMID: 22795537, 25810209, 29574747). This variant is not present in population databases (gnomAD no frequency). This premature translational stop signal has been observed in individual(s) with KMT2A-related condition (PMID: 28135719, 32641752). ClinVar contains an entry for this variant (Variation ID: 2910295). Algorithms developed to predict the effect of sequence changes on RNA splicing suggest that this variant may disrupt the consensus splice site. For these reasons, this variant has been classified as Pathogenic.

Literature cited by the submitters: PubMed 22795537 (cited by Labcorp Genetics (formerly Invitae), Labcorp); PubMed 25810209 (cited by Labcorp Genetics (formerly Invitae), Labcorp); PubMed 29574747 (cited by Labcorp Genetics (formerly Invitae), Labcorp); PubMed 28135719 (cited by Labcorp Genetics (formerly Invitae), Labcorp); PubMed 32641752 (cited by Labcorp Genetics (formerly Invitae), Labcorp).